The following is an entry in ClinVar:

NM_004787.4(SLIT2):c.2457C>T (p.Arg819=)

Gene: SLIT2 (slit guidance ligand 2; plus strand). Cytogenetic location: 4p15.31.
Variant type: single nucleotide variant.
Coding change: c.2457C>T on transcript NM_004787.4 (MANE Select); coding-DNA position 2457, C replaced by T.
Protein change: p.Arg819=; no amino-acid change (arginine 819 retained).
Molecular consequence: synonymous variant.
Genome position (GRCh38, 1-based): chr4:20,549,096, C>T. VCF-style: chr4-20549096-C-T. GRCh37 (hg19) VCF-style: chr4-20550719-C-T.
Other names: c.2445C>T, p.Arg815= (NM_001289135.3); c.2433C>T, p.Arg811= (NM_001289136.3).
Identifiers: ClinVar variation 2654692 (VCV002654692.24), dbSNP rs1011866390, ClinGen allele CA93481239.
Genomic context (GRCh38, chr4:20,549,096, plus strand): 5'-TTGACATATGTATGCTTTCAGAATTCTTAGTTACAACCGTCTGAGATGTATTCCTCCTCG[C>T]ACCTTTGATGGATTAAAGTCTCTTCGATTACTGTAAGCATCTTGTGTTCAACAGAATATC-3'
Protein context (NP_004778.1, residues 809-829): SYNRLRCIPP[Arg819=]TFDGLKSLRL

ClinVar aggregate classification (germline): Likely benign (1 of 4 stars; one submission).

Allele frequency attached by ClinVar (database versions not stated): TOPMed below 0.00001; gnomAD 0.00001.
gnomAD v4.1: 3 of 1,598,488 alleles (0.00019%); highest among the groups gnomAD compares: Non-Finnish European, 0.00017%; no homozygotes.

Submission:

CeGaT Center for Human Genetics Tuebingen
Classification: Likely benign. Last evaluated: 2022-10-01. Review status: criteria provided, single submitter. Criteria: CeGaT Center For Human Genetics Tuebingen Variant Classification Criteria Version 2. Collection method: clinical testing. Allele origin: germline. Affected: yes. Observed: 1 variant allele.
Comment: SLIT2: BP4, BP7